The following is an entry in ClinVar:

NM_004656.4(BAP1):c.1505del (p.Ala502fs)

Gene: BAP1 (BRCA1 associated deubiquitinase 1; minus strand). Cytogenetic location: 3p21.1.
Variant type: Deletion.
Coding change: c.1505del on transcript NM_004656.4 (MANE Select); coding-DNA position 1505, one base deleted (C; older notation c.1505delC).
Protein change: p.Ala502fs; shifts the reading frame from alanine 502.
Molecular consequence: frameshift variant.
Genome position (GRCh38, 1-based): chr3:52,403,640, G deleted on the plus strand (C on the coding strand, the reverse complement: BAP1 is on the minus strand). VCF-style (leftmost placement, unchanged base first): chr3-52403639-AG-A. GRCh37 (hg19) VCF-style: chr3-52437655-AG-A.
Other names: c.1451del, p.Ala484fs (NM_001410772.1); short protein forms A484fs, A502fs.
Identifiers: ClinVar variation 4533079 (VCV004533079.1).

ClinVar aggregate classification (germline): Likely pathogenic (1 of 4 stars; one submission).

Submission:

Quest Diagnostics Nichols Institute San Juan Capistrano
Classification: Likely pathogenic. Last evaluated: 2025-05-23. Review status: criteria provided, single submitter. Criteria: Quest Diagnostics criteria. Collection method: clinical testing. Allele origin: unknown.
Comment: The BAP1 c.1505del (p.Ala502Valfs*69) variant alters the translational reading frame of the BAP1 mRNA and is predicted to cause the premature termination of BAP1 protein synthesis. This variant has not been reported in individuals with BAP1-related conditions in the published literature. However, a related frameshift variant was identified in an individual with a rare, suspected genetic disease (PMID: 39039281 (2024)). The c.1505del variant has not been reported in large, multi-ethnic general populations (Genome Aggregation Database). Based on the available information, this variant is classified as likely pathogenic.

Literature cited by the submitters: PubMed 39039281; PubMed 28775315; PubMed 29617669.